The following is an entry in ClinVar:

ClinVar aggregate classification (germline): Likely pathogenic (1 of 4 stars; one submission).

Conditions:
Vascular malformation. Also called: Vascular malformations. Identifiers: MedGen C0158570, MONDO:0024291.

Submission:

Clinical Genomics Laboratory, Washington University in St. Louis
Classification: Likely pathogenic for Vascular malformation. Last evaluated: 2024-10-04. Review status: criteria provided, single submitter. Criteria: Leon-Quintero et al. (Clin Genet. 2025). Collection method: clinical testing. Allele origin: somatic. Affected: yes.
Comment: The PIK3R1 c.1702_1704del (p.Pro568del) variant was identified at an allelic fraction consistent with somatic origin. The PIK3R1 c.1702_1704del (p.Pro568del) variant is predicted to cause a change in the length of the protein due to an in-frame deletion of one amino acid in a non-repeat region. This variant is absent from the general population (gnomAD v.4.1.0), indicating it is not a common variant. This variant resides within a region, the inter-SH2 domain, of PIK3R1 that is defined as a critical functional domain and is a region enriched with pathogenic variation in individuals with vascular malformations and overgrowth (Liu S et al., PMID: 24459181; Chen L et al., PMID: 29636477; Cottrell C et al. PMID: 34040190). Based on available information and an internally developed protocol informed by the ACMG/AMP guidelines for variant interpretation and gene-specific practices from the ClinGen Criteria Specification Registry (Leon-Quintero FZ et al., PMID: 39434542), the PIK3R1 c.1702_1704del (p.Pro568del) variant is classified as likely pathogenic.

NM_181523.3(PIK3R1):c.1702_1704del (p.Pro568del)

Gene: PIK3R1 (phosphoinositide-3-kinase regulatory subunit 1; plus strand). Cytogenetic location: 5q13.1.
Variant type: Deletion.
Coding change: c.1702_1704del on transcript NM_181523.3 (MANE Select); coding-DNA positions 1702 to 1704, 3 bases deleted (CCA; older notation c.1702_1704delCCA).
Protein change: p.Pro568del; deletes proline 568.
Genome position (GRCh38, 1-based): chr5:68,295,281-68,295,283, CCA deleted; deleting any 3 consecutive bases within chr5:68,295,280-68,295,283 gives the same sequence; the c. name uses the placement nearest the transcript's 3' end. VCF-style (leftmost placement, unchanged base first): chr5-68295279-AACC-A. GRCh37 (hg19) VCF-style: chr5-67591107-AACC-A.
Other names: c.613_615del, p.Pro205del (NM_001242466.2); c.892_894del, p.Pro298del (NM_181504.4); c.802_804del, p.Pro268del (NM_181524.2); short protein forms P205del, P268del, P298del, P568del.
Identifiers: ClinVar variation 3774513 (VCV003774513.1).